The following is an entry in ClinVar:

ClinVar aggregate classification (germline): Uncertain significance (1 of 4 stars; one submission).

Conditions:
Ullrich congenital muscular dystrophy 2 (UCMD2). Identifiers: Orphanet 75840, MedGen C4225314, MONDO:0014654, OMIM 616470.
Bethlem myopathy 2 (BTHLM2). Identifiers: Orphanet 536516, Orphanet 610, MedGen C4225313, MONDO:0034022, OMIM 616471.

Submission:

Labcorp Genetics (formerly Invitae), Labcorp
Classification: Uncertain significance for Bethlem myopathy 2; Ullrich congenital muscular dystrophy 2. Last evaluated: 2025-03-03. Review status: criteria provided, single submitter. Criteria: Invitae Variant Classification Sherloc (09022015). Collection method: clinical testing. Allele origin: germline.
Comment: This sequence change replaces serine, which is neutral and polar, with phenylalanine, which is neutral and non-polar, at codon 1766 of the COL12A1 protein (p.Ser1766Phe). This variant is not present in population databases (gnomAD no frequency). This variant has not been reported in the literature in individuals affected with COL12A1-related conditions. ClinVar contains an entry for this variant (Variation ID: 2045622). Invitae Evidence Modeling of protein sequence and biophysical properties (such as structural, functional, and spatial information, amino acid conservation, physicochemical variation, residue mobility, and thermodynamic stability) indicates that this missense variant is not expected to disrupt COL12A1 protein function with a negative predictive value of 80%. In summary, the available evidence is currently insufficient to determine the role of this variant in disease. Therefore, it has been classified as a Variant of Uncertain Significance.

NM_004370.6(COL12A1):c.5297C>T (p.Ser1766Phe)

Gene: COL12A1 (collagen type XII alpha 1 chain; minus strand). Cytogenetic location: 6q13.
Variant type: single nucleotide variant.
Coding change: c.5297C>T on transcript NM_004370.6 (MANE Select); coding-DNA position 5297, C replaced by T.
Protein change: p.Ser1766Phe; replaces serine 1766 with phenylalanine.
Molecular consequence: missense variant.
Genome position (GRCh38, 1-based): chr6:75,137,534, G>A on the plus strand (C>T on the coding strand, the complement: COL12A1 is on the minus strand). VCF-style: chr6-75137534-G-A. GRCh37 (hg19) VCF-style: chr6-75847250-G-A.
Other names: c.1805C>T, p.Ser602Phe (NM_080645.3); short protein forms S1766F, S602F.
Identifiers: ClinVar variation 2045622 (VCV002045622.4), dbSNP rs1486429266, ClinGen allele CA364737719.